The following is an entry in ClinVar:

NM_004364.5(CEBPA):c.295G>A (p.Gly99Ser)

Gene: CEBPA (CCAAT enhancer binding protein alpha; minus strand). Cytogenetic location: 19q13.11.
Variant type: single nucleotide variant.
Coding change: c.295G>A on transcript NM_004364.5 (MANE Select); coding-DNA position 295, G replaced by A.
Protein change: p.Gly99Ser; replaces glycine 99 with serine.
Molecular consequence: missense variant. On other transcripts: 5 prime UTR variant (1).
Genome position (GRCh38, 1-based): chr19:33,302,120, C>T on the plus strand (G>A on the coding strand, the complement: CEBPA is on the minus strand). VCF-style: chr19-33302120-C-T. GRCh37 (hg19) VCF-style: chr19-33793026-C-T.
Other names: c.-63G>A (NM_001285829.2); c.400G>A, p.Gly134Ser (NM_001287424.2); c.253G>A, p.Gly85Ser (NM_001287435.2); c.295G>A (NM_004364.3); short protein forms G134S, G85S, G99S.
Identifiers: ClinVar variation 838477 (VCV000838477.11), dbSNP rs1967191321, ClinGen allele CA405275250.

ClinVar aggregate classification (germline): Uncertain significance. Review status: criteria provided, multiple submitters, no conflicts (2 of 4 stars). 2 submissions from 2 submitters: Uncertain significance (2). Last evaluated 2026-06-24.

Conditions:
Inborn genetic diseases. Identifiers: MedGen C0950123, MeSH D030342.
Acute myeloid leukemia (AML). Also called: Acute myeloid leukemia, adult; AML adult; Acute non-lymphocytic leukemia; Acute granulocytic leukemia; Leukemia, acute myeloid, somatic; Leukemia, acute myelogenous, somatic. Identifiers: Orphanet 519, MedGen C0023467, MeSH D015470, MONDO:0018874, OMIM 601626, HP:0004808. Disease mechanism: Constitutively activated FLT3.

Submissions (2):

Ambry Genetics
Classification: Uncertain significance for Inborn genetic diseases. Last evaluated: 2026-06-24. Review status: criteria provided, single submitter. Criteria: Ambry Variant Classification Scheme 2023. Collection method: clinical testing. Allele origin: germline.
Comment: The p.G99S variant (also known as c.295G>A), located in coding exon 1 of the CEBPA gene, results from a G to A substitution at nucleotide position 295. The glycine at codon 99 is replaced by serine, an amino acid with similar properties. This amino acid position is conserved. In addition, this alteration is predicted to be tolerated by in silico analysis. Based on the available evidence, the clinical significance of this variant remains unclear.

Labcorp Genetics (formerly Invitae), Labcorp
Classification: Uncertain significance for Acute myeloid leukemia. Last evaluated: 2020-07-30. Review status: criteria provided, single submitter. Criteria: Invitae Variant Classification Sherloc (09022015). Collection method: clinical testing. Allele origin: germline.
Comment: In summary, the available evidence is currently insufficient to determine the role of this variant in disease. Therefore, it has been classified as a Variant of Uncertain Significance. Algorithms developed to predict the effect of missense changes on protein structure and function are either unavailable or do not agree on the potential impact of this missense change (SIFT: "Deleterious"; PolyPhen-2: "Possibly Damaging"; Align-GVGD: "Class C0"). This variant has not been reported in the literature in individuals with CEBPA-related conditions. The frequency data for this variant in the population databases is considered unreliable, as metrics indicate insufficient coverage at this position in the ExAC database. This sequence change replaces glycine with serine at codon 99 of the CEBPA protein (p.Gly99Ser). The glycine residue is weakly conserved and there is a small physicochemical difference between glycine and serine.